The following is an entry in ClinVar:

ClinVar aggregate classification (germline): Likely benign (0 of 4 stars; one submission).

Conditions:
SLCO1B3-related disorder. Also called: SLCO1B3-related condition.

Allele frequency attached by ClinVar (database versions not stated): gnomAD exomes below 0.00001.
gnomAD v4.1: 2 of 1,611,790 alleles (0.00012%); highest among the groups gnomAD compares: East Asian, 0.0022%; no homozygotes.

Submission:

PreventionGenetics, part of Exact Sciences
Classification: Likely benign for SLCO1B3-related condition. Last evaluated: 2022-12-20. Review status: no assertion criteria provided. Collection method: clinical testing. Allele origin: germline.
Comment: This variant is classified as likely benign based on ACMG/AMP sequence variant interpretation guidelines (Richards et al. 2015 PMID: 25741868, with internal and published modifications).

NM_019844.4(SLCO1B3):c.153C>T (p.Ser51=)

Genes: SLCO1B3 (solute carrier organic anion transporter family member 1B3; plus strand), SLCO1B3-SLCO1B7 (SLCO1B3-SLCO1B7 readthrough; plus strand). Cytogenetic location: 12p12.2.
Variant type: single nucleotide variant.
Coding change: c.153C>T on transcript NM_019844.4 (MANE Select); coding-DNA position 153, C replaced by T.
Protein change: p.Ser51=; no amino-acid change (serine 51 retained).
Molecular consequence: synonymous variant.
Genome position (GRCh38, 1-based): chr12:20,855,096, C>T. VCF-style: chr12-20855096-C-T. GRCh37 (hg19) VCF-style: chr12-21008030-C-T.
Other names: c.153C>T, p.Ser51= (NM_001371097.1); c.69C>T, p.Ser23= (NM_001349920.2).
Identifiers: ClinVar variation 3045044 (VCV003045044.2), dbSNP rs2497615068, ClinGen allele CA478861823.